The following is an entry in ClinVar:

ClinVar aggregate classification (germline): Pathogenic/Likely pathogenic. Review status: criteria provided, multiple submitters, no conflicts (2 of 4 stars). 6 submissions from 6 submitters: Pathogenic (2); Likely pathogenic (4). Last evaluated 2025-03-03.

Conditions:
Wilson disease (WND). Also called: Wilson's disease. Identifiers: Orphanet 905, MedGen C0019202, MONDO:0010200, OMIM 277900. Disease mechanism: loss of function.

gnomAD v4.1: 4 of 1,614,094 alleles (0.00025%); highest among the groups gnomAD compares: Non-Finnish European, 0.00025%; no homozygotes.

Submissions (6):

Natera, Inc.
Classification: Likely pathogenic for Wilson disease. Last evaluated: 2025-03-03. Review status: criteria provided, single submitter. Criteria: Natera Variant Classification Schema (03/2026). Collection method: clinical testing. Allele origin: germline.
Comment: The c.2131G>A variant in ATP7B is a missense variant predicted to cause substitution of glycine to arginine at amino acid 711. This variant is rare in the general population with a frequency below the threshold expected for the associated phenotype(s). This variant has been observed in one or more individuals affected with the associated recessive disease, as either homozygous or compound heterozygous with a second variant (PMID: 10544227, 16423615). A different variant at the same position has been determined to be Pathogenic or Likely Pathogenic. Computational prediction algorithms indicate this variant is likely to affect gene or protein function. Given the available evidence, this variant is classified as Likely Pathogenic.

Lildballe Lab, Aarhus University Hospital
Classification: Pathogenic for Wilson disease. Last evaluated: 2024-08-29. Review status: criteria provided, single submitter. Criteria: ACMG Guidelines, 2015. Collection method: clinical testing. Allele origin: germline. Affected: yes.
Comment: PP5, PM1. PM5, PP3, PM2

CeGaT Center for Human Genetics Tuebingen
Classification: Likely pathogenic. Last evaluated: 2023-07-01. Review status: criteria provided, single submitter. Criteria: CeGaT Center For Human Genetics Tuebingen Variant Classification Criteria Version 2. Collection method: clinical testing. Allele origin: germline. Affected: yes. Observed: 1 variant allele.
Comment: ATP7B: PM2, PM5, PP4:Moderate, PM3:Supporting, PP3

Genome-Nilou Lab
Classification: Likely pathogenic for Wilson disease. Last evaluated: 2021-08-10. Review status: criteria provided, single submitter. Criteria: ACMG Guidelines, 2015. Collection method: clinical testing. Allele origin: germline. Affected: no.

Labcorp Genetics (formerly Invitae), Labcorp
Classification: Likely pathogenic for Wilson disease. Last evaluated: 2020-12-21. Review status: criteria provided, single submitter. Criteria: Invitae Variant Classification Sherloc (09022015). Collection method: clinical testing. Allele origin: germline.
Comment: This variant is not present in population databases (ExAC no frequency). In summary, the currently available evidence indicates that the variant is pathogenic, but additional data are needed to prove that conclusively. Therefore, this variant has been classified as Likely Pathogenic. This variant disrupts the p.Gly711 amino acid residue in ATP7B. Other variant(s) that disrupt this residue have been determined to be pathogenic (PMID: 10502777, 31059521). This suggests that this residue is clinically significant, and that variants that disrupt this residue are likely to be disease-causing. Algorithms developed to predict the effect of sequence changes on RNA splicing suggest that this variant may create or strengthen a splice site, but this prediction has not been confirmed by published transcriptional studies. Algorithms developed to predict the effect of missense changes on protein structure and function (SIFT, PolyPhen-2, Align-GVGD) all suggest that this variant is likely to be disruptive, but these predictions have not been confirmed by published functional studies and their clinical significance is uncertain. This variant has been observed in individual(s) with Wilson disease (PMID: 10544227, 16423615, 8931691). ClinVar contains an entry for this variant (Variation ID: 495405). This sequence change replaces glycine with arginine at codon 711 of the ATP7B protein (p.Gly711Arg). The glycine residue is highly conserved and there is a moderate physicochemical difference between glycine and arginine.

Women's Health and Genetics/Laboratory Corporation of America, LabCorp
Classification: Pathogenic for Wilson disease. Last evaluated: 2017-08-23. Review status: criteria provided, single submitter. Criteria: LabCorp Variant Classification Summary - May 2015. Collection method: clinical testing. Allele origin: germline.
Comment: Variant summary: The ATP7B c.2131G>A (p.Gly711Arg) variant involves the alteration of a conserved nucleotide, resulting in a missense change that lies within the TM2 domain. 5/5 in silico tools predict damaging outcome for this variant. This variant is absent in 120460 control chromosomes tested in ExAC and control cohorts reported in the literature. The variant has been identified in several patients in the literature, including as a patient who carried this variant in homozygous state. Computational structure modeling predicts that the variant disrupts the protein structure, and an overlapping variant (G711D) causes copper accumulation in the liver as well as a slight increase of copper in the brain from a mouse model study. Additionally, the codon may be a mutational hotspot since G711E and G711W, in addition to the variant of interest, are among the disease variants listed in HGMD. Taken together, this variant is classified as pathogenic.

Literature cited by the submitters: PubMed 10544227 (cited by 3 submitters); PubMed 16423615 (cited by 3 submitters); PubMed 10502777 (cited by Labcorp Genetics (formerly Invitae), Labcorp); PubMed 31059521 (cited by Labcorp Genetics (formerly Invitae), Labcorp); PubMed 8931691 (cited by Labcorp Genetics (formerly Invitae), Labcorp and Women's Health and Genetics/Laboratory Corporation of America, LabCorp); PubMed 22692182 (cited by Women's Health and Genetics/Laboratory Corporation of America, LabCorp).

NM_000053.4(ATP7B):c.2131G>A (p.Gly711Arg)

Gene: ATP7B (ATPase copper transporting beta; minus strand). Cytogenetic location: 13q14.3.
Variant type: single nucleotide variant.
Coding change: c.2131G>A on transcript NM_000053.4 (MANE Select); coding-DNA position 2131, G replaced by A.
Protein change: p.Gly711Arg; replaces glycine 711 with arginine.
Molecular consequence: missense variant. On other transcripts: intron variant (2).
Genome position (GRCh38, 1-based): chr13:51,958,535, C>T on the plus strand (G>A on the coding strand, the complement: ATP7B is on the minus strand). VCF-style: chr13-51958535-C-T. GRCh37 (hg19) VCF-style: chr13-52532671-C-T.
Other names: c.2131G>A (NM_000053.3); c.1798G>A, p.Gly600Arg (NM_001243182.2); c.1879G>A, p.Gly627Arg (NM_001330579.2); c.1870-928G>A (NM_001005918.3); c.2122-928G>A (NM_001330578.2); short protein forms G711R, G627R, G600R.
Identifiers: ClinVar variation 495405 (VCV000495405.37), dbSNP rs1394999756, ClinGen allele CA388023479.
Genomic context (GRCh38, chr13:51,958,535, plus strand): 5'-CGTCCATGTTGGCTGACCTGTGTCTCAGAGATTTGTAGGCCTGAACGTAGAAGTACCACC[C>T]ACCGAGGAGCTGAAAGACAAGGACAGTGAAGGCTGCCAGCAAGTAGGGAGGAGAGTTCAA-3'
Protein context (NP_000044.2, residues 701-721): ILCTFVQLLG[Gly711Arg]WYFYVQAYKS